The following is an entry in ClinVar:

NM_002150.3(HPD):c.256del (p.Leu86fs)

Genes: HPD (4-hydroxyphenylpyruvate dioxygenase; minus strand), TIALD (transcript inducer of AURKA lysosomal degradation; plus strand), LOC126861662 (MED14-independent group 3 enhancer GRCh37_chr12:122293687-122294886; plus strand). Cytogenetic location: 12q24.31.
Variant type: Deletion.
Coding change: c.256del on transcript NM_002150.3 (MANE Select); coding-DNA position 256, one base deleted (C; older notation c.256delC).
Protein change: p.Leu86fs; shifts the reading frame from leucine 86.
Molecular consequence: frameshift variant.
Genome position (GRCh38, 1-based): chr12:121,856,392, G deleted on the plus strand (C on the coding strand, the reverse complement: HPD is on the minus strand); the first of 2 consecutive G bases (chr12:121,856,392-121,856,393); deleting either gives the same sequence. VCF-style (leftmost placement, unchanged base first): chr12-121856391-AG-A. GRCh37 (hg19) VCF-style: chr12-122294297-AG-A.
Other names: c.139del, p.Leu47fs (NM_001171993.2); short protein forms L47fs, L86fs.
Identifiers: ClinVar variation 2952980 (VCV002952980.3), dbSNP rs2500323693, ClinGen allele CA2740097607.

ClinVar aggregate classification (germline): Pathogenic (1 of 4 stars; one submission).

Conditions:
Hawkinsinuria. Identifiers: Orphanet 2118, MedGen C2931042, MONDO:0007700, OMIM 140350, HP:0034457.
Tyrosinemia type III. Also called: Tyrosinemia type 3; 4-alpha hydroxyphenylpyruvic acid oxidase deficiency; 4-alpha hydroxyphenylpyruvate dioxygenase deficiency; 4-Hydroxyphenylpyruvate dioxygenase deficiency; 4-HYDROXYPHENYLPYRUVIC ACID OXIDASE DEFICIENCY. Identifiers: Orphanet 69723, MedGen C0268623, MONDO:0010162, OMIM 276710.

Submission:

Labcorp Genetics (formerly Invitae), Labcorp
Classification: Pathogenic for Tyrosinemia type III; Hawkinsinuria. Last evaluated: 2023-10-24. Review status: criteria provided, single submitter. Criteria: Invitae Variant Classification Sherloc (09022015). Collection method: clinical testing. Allele origin: germline.
Comment: This sequence change creates a premature translational stop signal (p.Leu86Trpfs*2) in the HPD gene. It is expected to result in an absent or disrupted protein product. Loss-of-function variants in HPD are known to be pathogenic (PMID: 10942115, 23036342). This variant is not present in population databases (gnomAD no frequency). This variant has not been reported in the literature in individuals affected with HPD-related conditions. For these reasons, this variant has been classified as Pathogenic.

Literature cited by the submitters: PubMed 10942115; PubMed 23036342.